The following is an entry in ClinVar:

ClinVar aggregate classification (germline): Uncertain significance (1 of 4 stars; one submission).

gnomAD v4.1: 11 of 1,494,714 alleles (0.00074%); highest among the groups gnomAD compares: South Asian, 0.0012%; no homozygotes.

Submission:

Ambry Genetics
Classification: Uncertain significance. Last evaluated: 2025-07-15. Review status: criteria provided, single submitter. Criteria: Ambry Variant Classification Scheme 2023. Collection method: clinical testing. Allele origin: germline.
Comment: The p.P975L variant (also known as c.2924C>T), located in coding exon 11 of the WNK2 gene, results from a C to T substitution at nucleotide position 2924. The proline at codon 975 is replaced by leucine, an amino acid with similar properties. This amino acid position is conserved. In addition, this alteration is predicted to be tolerated by in silico analysis. Based on the available evidence, the clinical significance of this variant remains unclear.

NM_006648.4(WNK2):c.2924C>T (p.Pro975Leu)

Gene: WNK2 (WNK lysine deficient protein kinase 2; plus strand). Cytogenetic location: 9q22.31.
Variant type: single nucleotide variant.
Coding change: c.2924C>T on transcript NM_006648.4 (MANE Select); coding-DNA position 2924, C replaced by T.
Protein change: p.Pro975Leu; replaces proline 975 with leucine.
Molecular consequence: missense variant.
Genome position (GRCh38, 1-based): chr9:93,259,472, C>T. VCF-style: chr9-93259472-C-T. GRCh37 (hg19) VCF-style: chr9-96021754-C-T.
Other names: c.2924C>T, p.Pro975Leu (NM_001282394.3); short protein forms P975L.
Identifiers: ClinVar variation 2609418 (VCV002609418.3), dbSNP rs2540141705, ClinGen allele CA374057790.